The following is an entry in ClinVar:

NM_000553.6(WRN):c.2089-17A>T

Gene: WRN (WRN RecQ like helicase; plus strand). Cytogenetic location: 8p12.
Variant type: single nucleotide variant.
Coding change: c.2089-17A>T on transcript NM_000553.6 (MANE Select); 17 bases into the intron before coding-DNA position 2089, A replaced by T.
Molecular consequence: intron variant.
Genome position (GRCh38, 1-based): chr8:31,111,598, A>T. VCF-style: chr8-31111598-A-T. GRCh37 (hg19) VCF-style: chr8-30969114-A-T.
Identifiers: ClinVar variation 2034828 (VCV002034828.4), dbSNP rs200731924, ClinGen allele CA2580078106.

ClinVar aggregate classification (germline): Uncertain significance (1 of 4 stars; one submission).

Conditions:
Werner syndrome (WRN). Identifiers: Orphanet 902, MedGen C0043119, MONDO:0010196, OMIM 277700.

Submission:

Labcorp Genetics (formerly Invitae), Labcorp
Classification: Uncertain significance for Werner syndrome. Last evaluated: 2022-10-08. Review status: criteria provided, single submitter. Criteria: Invitae Variant Classification Sherloc (09022015). Collection method: clinical testing. Allele origin: germline.
Comment: This variant is not present in population databases (gnomAD no frequency). This sequence change falls in intron 18 of the WRN gene. It does not directly change the encoded amino acid sequence of the WRN protein. Algorithms developed to predict the effect of sequence changes on RNA splicing suggest that this variant may disrupt the consensus splice site. In summary, the available evidence is currently insufficient to determine the role of this variant in disease. Therefore, it has been classified as a Variant of Uncertain Significance. This variant has not been reported in the literature in individuals affected with WRN-related conditions.